The following is an entry in ClinVar:

NM_001127464.1:c.6092C>T

Gene: ZNF469 (zinc finger protein 469; plus strand).
Variant type: single nucleotide variant.
Identifiers: ClinVar variation 4526998 (VCV004526998.1).

ClinVar aggregate classification (germline): Uncertain significance (1 of 4 stars; one submission).

Submission:

GeneDx
Classification: Uncertain significance. Last evaluated: 2025-05-08. Review status: criteria provided, single submitter. Criteria: GeneDx Variant Classification Process June 2021. Collection method: clinical testing. Allele origin: germline. Affected: yes.
Comment: In silico analysis suggests that this missense variant does not alter protein structure/function; Has not been previously published as pathogenic or benign to our knowledge